The following is an entry in ClinVar:

ClinVar aggregate classification (germline): Uncertain significance. Review status: criteria provided, multiple submitters, no conflicts (2 of 4 stars). 2 submissions from 2 submitters: Uncertain significance (2). Last evaluated 2022-06-28.

Conditions:
Cystic fibrosis (CF). Also called: MUCOVISCIDOSIS. Identifiers: Orphanet 586, MedGen C0010674, MONDO:0009061, OMIM 219700. Disease mechanism: loss of function.

Allele frequency attached by ClinVar (database versions not stated): gnomAD exomes below 0.00001.
gnomAD v4.1: 6 of 1,613,990 alleles (0.00037%); highest among the groups gnomAD compares: Non-Finnish European, 0.00051%; no homozygotes.

Submissions (2):

Ambry Genetics
Classification: Uncertain significance for Cystic fibrosis. Last evaluated: 2022-06-28. Review status: criteria provided, single submitter. Criteria: Ambry Variant Classification Scheme 2023. Collection method: clinical testing. Allele origin: germline.

Labcorp Genetics (formerly Invitae), Labcorp
Classification: Uncertain significance for Cystic fibrosis. Last evaluated: 2021-10-03. Review status: criteria provided, single submitter. Criteria: Invitae Variant Classification Sherloc (09022015). Collection method: clinical testing. Allele origin: germline.
Comment: This sequence change replaces methionine with valine at codon 961 of the CFTR protein (p.Met961Val). The methionine residue is highly conserved and there is a small physicochemical difference between methionine and valine. This variant is not present in population databases (ExAC no frequency). This variant has not been reported in the literature in individuals with CFTR-related disease. Algorithms developed to predict the effect of missense changes on protein structure and function output the following: SIFT: "Tolerated"; PolyPhen-2: "Benign"; Align-GVGD: "Class C0". The valine amino acid residue is found in multiple mammalian species, suggesting that this missense change does not adversely affect protein function. These predictions have not been confirmed by published functional studies and their clinical significance is uncertain. In summary, the available evidence is currently insufficient to determine the role of this variant in disease. Therefore, it has been classified as a Variant of Uncertain Significance.

NM_000492.4(CFTR):c.2881A>G (p.Met961Val)

Gene: CFTR (CF transmembrane conductance regulator; plus strand). Cytogenetic location: 7q31.2.
Variant type: single nucleotide variant.
Coding change: c.2881A>G on transcript NM_000492.4 (MANE Select); coding-DNA position 2881, A replaced by G.
Protein change: p.Met961Val; replaces methionine 961 with valine.
Molecular consequence: missense variant.
Genome position (GRCh38, 1-based): chr7:117,603,755, A>G. VCF-style: chr7-117603755-A-G. GRCh37 (hg19) VCF-style: chr7-117243809-A-G.
Other names: short protein forms M961V.
Identifiers: ClinVar variation 1948272 (VCV001948272.3), dbSNP rs1466453517, ClinGen allele CA368987519.